The following is an entry in ClinVar:

NM_001371986.1(UNC80):c.1064A>G (p.Tyr355Cys)

Gene: UNC80 (unc-80 homolog, NALCN channel complex subunit; plus strand). Cytogenetic location: 2q34.
Variant type: single nucleotide variant.
Coding change: c.1064A>G on transcript NM_001371986.1 (MANE Select); coding-DNA position 1064, A replaced by G.
Protein change: p.Tyr355Cys; replaces tyrosine 355 with cysteine.
Molecular consequence: missense variant.
Genome position (GRCh38, 1-based): chr2:209,813,705, A>G. VCF-style: chr2-209813705-A-G. GRCh37 (hg19) VCF-style: chr2-210678429-A-G.
Other names: c.1064A>G, p.Tyr355Cys (NM_032504.2, NM_182587.4); c.1064A>G (NM_032504.1); short protein forms Y355C.
Identifiers: ClinVar variation 1372078 (VCV001372078.5), dbSNP rs779499410, ClinGen allele CA2082897.

ClinVar aggregate classification (germline): Uncertain significance. Review status: criteria provided, multiple submitters, no conflicts (2 of 4 stars). 3 submissions from 3 submitters: Uncertain significance (3). Last evaluated 2022-08-09.

Conditions:
Inborn genetic diseases. Identifiers: MedGen C0950123, MeSH D030342.

Allele frequency attached by ClinVar (database versions not stated): gnomAD 0.00001; gnomAD exomes 0.00001 and 0.00003; TOPMed 0.00001; ExAC 0.00005.
gnomAD v4.1: 13 of 1,551,566 alleles (0.00084%); highest among the groups gnomAD compares: African/African-American, 0.0027%; 1 homozygote.

Submissions (3):

Labcorp Genetics (formerly Invitae), Labcorp
Classification: Uncertain significance. Last evaluated: 2022-08-09. Review status: criteria provided, single submitter. Criteria: Invitae Variant Classification Sherloc (09022015). Collection method: clinical testing. Allele origin: germline.
Comment: This sequence change replaces tyrosine, which is neutral and polar, with cysteine, which is neutral and slightly polar, at codon 355 of the UNC80 protein (p.Tyr355Cys). This variant is present in population databases (rs779499410, gnomAD 0.01%). This variant has not been reported in the literature in individuals affected with UNC80-related conditions. ClinVar contains an entry for this variant (Variation ID: 1372078). Algorithms developed to predict the effect of missense changes on protein structure and function are either unavailable or do not agree on the potential impact of this missense change (SIFT: "Not Available"; PolyPhen-2: "Probably Damaging"; Align-GVGD: "Not Available"). In summary, the available evidence is currently insufficient to determine the role of this variant in disease. Therefore, it has been classified as a Variant of Uncertain Significance.

Ambry Genetics
Classification: Uncertain significance for Inborn genetic diseases. Last evaluated: 2021-06-18. Review status: criteria provided, single submitter. Criteria: Ambry Variant Classification Scheme 2023. Collection method: clinical testing. Allele origin: germline.

Breakthrough Genomics
Classification: Uncertain significance. Review status: criteria provided, single submitter. Criteria: ACMG Guidelines, 2015. Collection method: not provided. Allele origin: germline. Inheritance: Autosomal recessive inheritance. Affected: yes.